The following is an entry in ClinVar:

ClinVar aggregate classification (germline): Uncertain significance (1 of 4 stars; one submission).

Conditions:
Hereditary cancer-predisposing syndrome. Also called: Neoplastic Syndromes, Hereditary; Tumor predisposition; Hereditary Cancer Syndrome; Hereditary neoplastic syndrome. Identifiers: Orphanet 140162, MedGen C0027672, MeSH D009386, MONDO:0015356.

Allele frequency attached by ClinVar (database versions not stated): gnomAD 0.00001; gnomAD exomes 0.00001; ExAC 0.00003; 1000 Genomes Project 30x 0.00016; 1000 Genomes Project 0.00020.
gnomAD v4.1: 6 of 1,612,538 alleles (0.00037%); highest among the groups gnomAD compares: Admixed American, 0.0017%; no homozygotes.

Submission:

Ambry Genetics
Classification: Uncertain significance for Hereditary cancer-predisposing syndrome. Last evaluated: 2015-04-09. Review status: criteria provided, single submitter. Criteria: Ambry Variant Classification Scheme 2023. Collection method: clinical testing. Allele origin: germline.
Comment: The p.G438E variant (also known as c.1313G>A), located in coding exon 9 of the RAD50 gene, results from a G to A substitution at nucleotide position 1313. The glycine at codon 438 is replaced by glutamic acid, an amino acid with similar properties. This variant was not reported in population based cohorts in the following databases: Database of Single Nucleotide Polymorphisms (dbSNP), NHLBI Exome Sequencing Project (ESP), and 1000 Genomes Project. In the ESP, this variant was not observed in 6502 samples (13004 alleles) with coverage at this position. To date, this alteration has been detected with an allele frequency of approximately 0.003% (greater than 40000 alleles tested) in our clinical cohort. This amino acid position is highly conserved in available vertebrate species. In addition, this alteration is predicted to be benign and deleterious by PolyPhen and SIFT in silico analyses, respectively. Since supporting evidence is limited at this time, the clinical significance of p.G438E remains unclear.

NM_005732.4(RAD50):c.1313G>A (p.Gly438Glu)

Gene: RAD50 (RAD50 double strand break repair protein; plus strand). Cytogenetic location: 5q31.1.
Variant type: single nucleotide variant.
Coding change: c.1313G>A on transcript NM_005732.4 (MANE Select); coding-DNA position 1313, G replaced by A.
Protein change: p.Gly438Glu; replaces glycine 438 with glutamic acid.
Molecular consequence: missense variant.
Genome position (GRCh38, 1-based): chr5:132,589,698, G>A. VCF-style: chr5-132589698-G-A. GRCh37 (hg19) VCF-style: chr5-131925390-G-A.
Other names: short protein forms G438E.
Identifiers: ClinVar variation 231241 (VCV000231241.5), dbSNP rs549284516, ClinGen allele CA3405155.